The following is an entry in ClinVar:

ClinVar aggregate classification (germline): Uncertain significance (1 of 4 stars; one submission).

Conditions:
Hereditary cancer-predisposing syndrome. Also called: Hereditary Cancer Syndrome; Hereditary neoplastic syndrome; Neoplastic Syndromes, Hereditary; Tumor predisposition. Identifiers: Orphanet 140162, MedGen C0027672, MeSH D009386, MONDO:0015356.

Submission:

Ambry Genetics
Classification: Uncertain significance for Hereditary cancer-predisposing syndrome. Last evaluated: 2026-05-07. Review status: criteria provided, single submitter. Criteria: Ambry Variant Classification Scheme 2023. Collection method: clinical testing. Allele origin: germline.
Comment: The p.C613S variant (also known as c.1838G>C), located in coding exon 13 of the PTCH1 gene, results from a G to C substitution at nucleotide position 1838. The cysteine at codon 613 is replaced by serine, an amino acid with dissimilar properties. This amino acid position is conserved. In addition, this alteration is predicted to be deleterious by in silico analysis. Based on the available evidence, the clinical significance of this variant remains unclear.

NM_000264.5(PTCH1):c.1838G>C (p.Cys613Ser)

Genes: PTCH1 (patched 1; minus strand), LOC100507346 (uncharacterized LOC100507346; plus strand). Cytogenetic location: 9q22.32.
Variant type: single nucleotide variant.
Coding change: c.1838G>C on transcript NM_000264.5 (MANE Select); coding-DNA position 1838, G replaced by C.
Protein change: p.Cys613Ser; replaces cysteine 613 with serine.
Molecular consequence: missense variant. On other transcripts: non-coding transcript variant (2).
Genome position (GRCh38, 1-based): chr9:95,469,822, C>G on the plus strand (G>C on the coding strand, the complement: PTCH1 is on the minus strand). VCF-style: chr9-95469822-C-G. GRCh37 (hg19) VCF-style: chr9-98232104-C-G.
Other names: c.1640G>C, p.Cys547Ser (NM_001083602.3); c.1835G>C, p.Cys612Ser (NM_001083603.3); c.1385G>C, p.Cys462Ser (NM_001083604.3, NM_001083605.3, NM_001083606.3 and 1 more transcripts); c.1682G>C, p.Cys561Ser (NM_001354918.2); short protein forms C612S, C462S, C613S, C547S, C561S.
Identifiers: ClinVar variation 3784629 (VCV003784629.2).
Genomic context (GRCh38, chr9:95,469,822, plus strand): 5'-ACAGCACCATTCTGCACCCAATCAAAAGGCCACAGCAGTCTGAAAATGTACCTTGTAAAA[C>G]AGCAGAAAATATCCAGTCTCCTGTCCTCGCGTCGATATAAATCCATGCTGAGAATTGCAG-3'
Protein context (NP_000255.2, residues 603-623): REDRRLDIFC[Cys613Ser]FTSPCVSRVI